The following is an entry in ClinVar:

ClinVar aggregate classification (germline): Conflicting classifications of pathogenicity. Review status: criteria provided, conflicting classifications (1 of 4 stars). 2 submissions from 2 submitters: Uncertain significance (1); Likely benign (1). Last evaluated 2023-03-23.

Conditions:
Hereditary cancer-predisposing syndrome. Also called: Hereditary Cancer Syndrome; Hereditary neoplastic syndrome; Neoplastic Syndromes, Hereditary; Tumor predisposition. Identifiers: Orphanet 140162, MedGen C0027672, MeSH D009386, MONDO:0015356.

Submissions (2):

University of Washington Department of Laboratory Medicine, University of Washington
Classification: Likely benign for Hereditary cancer-predisposing syndrome. Last evaluated: 2023-03-23. Review status: criteria provided, single submitter. Criteria: Dines et al. (Genet Med. 2020). Collection method: curation. Allele origin: germline.
Comment: Missense variant in a coldspot region where missense variants are very unlikely to be pathogenic (PMID:31911673).

BRCA2 exon 10 coldspot. Reclassification based on statistical prior probability.

Ambry Genetics
Classification: Uncertain significance for Hereditary cancer-predisposing syndrome. Last evaluated: 2021-12-11. Review status: criteria provided, single submitter. Criteria: Ambry Variant Classification Scheme 2023. Collection method: clinical testing. Allele origin: germline.
Comment: The p.L320I variant (also known as c.958C>A), located in coding exon 9 of the BRCA2 gene, results from a C to A substitution at nucleotide position 958. The leucine at codon 320 is replaced by isoleucine, an amino acid with highly similar properties. This amino acid position is conserved. In addition, this alteration is predicted to be tolerated by in silico analysis. Since supporting evidence is limited at this time, the clinical significance of this alteration remains unclear.

NM_000059.4(BRCA2):c.958C>A (p.Leu320Ile)

Gene: BRCA2 (BRCA2 DNA repair associated; plus strand). Cytogenetic location: 13q13.1.
Variant type: single nucleotide variant.
Coding change: c.958C>A on transcript NM_000059.4 (MANE Select); coding-DNA position 958, C replaced by A.
Protein change: p.Leu320Ile; replaces leucine 320 with isoleucine.
Molecular consequence: missense variant.
Genome position (GRCh38, 1-based): chr13:32,332,436, C>A. VCF-style: chr13-32332436-C-A. GRCh37 (hg19) VCF-style: chr13-32906573-C-A.
Other names: c.958C>A, p.Leu320Ile (NM_001406719.1, NM_001406720.1, NM_001406721.1); short protein forms L320I.
Identifiers: ClinVar variation 1767467 (VCV001767467.4), dbSNP rs2137466262, ClinGen allele CA387760875.
Genomic context (GRCh38, chr13:32,332,436, plus strand): 5'-GTAGATACCTCTGAAGAAGATAGTTTTTCATTATGTTTTTCTAAATGTAGAACAAAAAAT[C>A]TACAAAAAGTAAGAACTAGCAAGACTAGGAAAAAAATTTTCCATGAAGCAAACGCTGATG-3'
Protein context (NP_000050.3, residues 310-330): LCFSKCRTKN[Leu320Ile]QKVRTSKTRK